The following is an entry in ClinVar:

ClinVar aggregate classification (germline): Pathogenic. Review status: criteria provided, multiple submitters, no conflicts (2 of 4 stars). 4 submissions from 4 submitters: Pathogenic (2). 2 of the submissions do not count toward it. Last evaluated 2025-02-24.

Conditions:
COL4A4-related disorder.
Alport syndrome. Also called: Hemorrhagic familial nephritis; Hemorrhagic hereditary nephritis; Congenital hereditary hematuria. Identifiers: Orphanet 63, MedGen C1567741, MONDO:0018965.

Allele frequency attached by ClinVar (database versions not stated): gnomAD exomes below 0.00001.
gnomAD v4.1: 1 of 1,609,554 alleles (0.000062%); highest among the groups gnomAD compares: South Asian, 0.0011%; no homozygotes.

Submissions (4):

Labcorp Genetics (formerly Invitae), Labcorp
Classification: Pathogenic. Last evaluated: 2025-02-24. Review status: criteria provided, single submitter. Criteria: Invitae Variant Classification Sherloc (09022015). Collection method: clinical testing. Allele origin: germline.
Comment: This sequence change affects codon 290 of the COL4A4 mRNA. It is a 'silent' change, meaning that it does not change the encoded amino acid sequence of the COL4A4 protein. This variant also falls at the last nucleotide of exon 14, which is part of the consensus splice site for this exon. This variant is not present in population databases (gnomAD no frequency). This variant has been observed in individual(s) with clinical features of Alport syndrome (PMID: 36685964; internal data). In at least one individual the data is consistent with being in trans (on the opposite chromosome) from a pathogenic variant. ClinVar contains an entry for this variant (Variation ID: 1036012). Variants that disrupt the consensus splice site are a relatively common cause of aberrant splicing (PMID: 17576681, 9536098). Algorithms developed to predict the effect of sequence changes on RNA splicing suggest that this variant may disrupt the consensus splice site. For these reasons, this variant has been classified as Pathogenic.

GeneDx
Classification: Pathogenic. Last evaluated: 2024-09-09. Review status: criteria provided, single submitter. Criteria: GeneDx Variant Classification Process June 2021. Collection method: clinical testing. Allele origin: germline. Affected: yes.
Comment: RNA studies involving in vivo and in vitro splicing assays demonstrate c.870G>A results in loss of in-frame exon 14, which includes part of the triple helical domain (PMID: 35582193); Non-canonical splice site variant within a critical functional domain, the triple helical region; Not observed at significant frequency in large population cohorts (gnomAD); In silico analysis supports a deleterious effect on splicing; This variant is associated with the following publications: (PMID: 35582193, 36685964)

PreventionGenetics, part of Exact Sciences
Classification: Likely pathogenic for COL4A4-related condition. Last evaluated: 2023-12-14. Review status: no assertion criteria provided. Collection method: clinical testing. Allele origin: germline. Not counted in ClinVar's aggregate classification.
Comment: The COL4A4 c.870G>A variant is not predicted to result in an amino acid change (p.=). This nucleotide is the last base of exon 14 and this change is predicted to affect the normal splicing. This variant has been reported in individuals with autosomal dominant or recessive COL4A4 nephropathy (Rossanti et al. 2022. PubMed ID: 35582193; Gao et al. 2022. PubMed ID: 36685964). The mRNA analysis in Rossanti et al. study showed that this variant resulted in exon skipping. This variant has not been reported in a large population database, indicating this variant is rare. This variant is interpreted as likely pathogenic.

Natera, Inc.
Classification: Uncertain significance for Alport syndrome. Last evaluated: 2020-03-09. Review status: no assertion criteria provided. Collection method: clinical testing. Allele origin: germline. Not counted in ClinVar's aggregate classification.

Literature cited by the submitters: PubMed 36685964 (cited by Labcorp Genetics (formerly Invitae), Labcorp); PubMed 17576681 (cited by Labcorp Genetics (formerly Invitae), Labcorp); PubMed 9536098 (cited by Labcorp Genetics (formerly Invitae), Labcorp).

NM_000092.5(COL4A4):c.870G>A (p.Lys290=)

Gene: COL4A4 (collagen type IV alpha 4 chain; minus strand). Cytogenetic location: 2q36.3.
Variant type: single nucleotide variant.
Coding change: c.870G>A on transcript NM_000092.5 (MANE Select); coding-DNA position 870, G replaced by A.
Protein change: p.Lys290=; no amino-acid change (lysine 290 retained).
Molecular consequence: synonymous variant.
Genome position (GRCh38, 1-based): chr2:227,103,144, C>T on the plus strand (G>A on the coding strand, the complement: COL4A4 is on the minus strand). VCF-style: chr2-227103144-C-T. GRCh37 (hg19) VCF-style: chr2-227967860-C-T.
Other names: c.870G>A (NM_000092.4).
Identifiers: ClinVar variation 1036012 (VCV001036012.13), dbSNP rs2060620860, ClinGen allele CA431501246.